The following is an entry in ClinVar:

NM_000368.5(TSC1):c.3024T>G (p.Asn1008Lys)

Gene: TSC1 (TSC complex subunit 1; minus strand). Cytogenetic location: 9q34.13.
Variant type: single nucleotide variant.
Coding change: c.3024T>G on transcript NM_000368.5 (MANE Select); coding-DNA position 3024, T replaced by G.
Protein change: p.Asn1008Lys; replaces asparagine 1008 with lysine.
Molecular consequence: missense variant.
Genome position (GRCh38, 1-based): chr9:132,896,706, A>C on the plus strand (T>G on the coding strand, the complement: TSC1 is on the minus strand). VCF-style: chr9-132896706-A-C. GRCh37 (hg19) VCF-style: chr9-135772093-A-C.
Other names: c.3021T>G, p.Asn1007Lys (NM_001162426.2); c.2871T>G, p.Asn957Lys (NM_001162427.2); c.2661T>G, p.Asn887Lys (NM_001362177.2); short protein forms N1008K, N887K, N1007K, N957K.
Identifiers: ClinVar variation 186511 (VCV000186511.25), dbSNP rs142954164, ClinGen allele CA007132.

ClinVar aggregate classification (germline): Conflicting classifications of pathogenicity. Review status: criteria provided, conflicting classifications (1 of 4 stars). 8 submissions from 8 submitters: Uncertain significance (1); Benign (4); Likely benign (3). Last evaluated 2026-01-19.

Conditions:
TSC1-related disorder. Also called: TSC1-related condition.
Hereditary cancer-predisposing syndrome. Also called: Neoplastic Syndromes, Hereditary; Tumor predisposition; Hereditary neoplastic syndrome; Hereditary Cancer Syndrome. Identifiers: Orphanet 140162, MedGen C0027672, MeSH D009386, MONDO:0015356.
Tuberous sclerosis syndrome (TSC). Also called: Tuberous Sclerosis Complex; Tuberous sclerosis. Identifiers: Orphanet 805, MedGen C0041341, MONDO:0001734.
Tuberous sclerosis 1 (TSC1). Identifiers: Orphanet 805, MedGen C1854465, MONDO:0008612, OMIM 191100.

Allele frequency attached by ClinVar (database versions not stated): gnomAD exomes 0.00001 and 0.00003; gnomAD 0.00013; 1000 Genomes Project 30x 0.00016; TOPMed 0.00021; ESP Exome Variant Server 0.00038.
gnomAD v4.1: 30 of 1,613,870 alleles (0.0019%); highest among the groups gnomAD compares: African/African-American, 0.039%; no homozygotes.

Submissions (8):

Labcorp Genetics (formerly Invitae), Labcorp
Classification: Benign for Tuberous sclerosis 1. Last evaluated: 2026-01-19. Review status: criteria provided, single submitter. Criteria: Invitae Variant Classification Sherloc (09022015). Collection method: clinical testing. Allele origin: germline.

PreventionGenetics, part of Exact Sciences
Classification: Likely benign for TSC1-related condition. Last evaluated: 2025-05-30. Review status: criteria provided, single submitter. Criteria: ACMG Guidelines, 2015. Collection method: clinical testing. Allele origin: germline.
Comment: This variant is classified as likely benign based on ACMG/AMP sequence variant interpretation guidelines (Richards et al. 2015 PMID: 25741868, with internal and published modifications).

Myriad Genetics, Inc.
Classification: Likely benign for Tuberous sclerosis 1. Last evaluated: 2024-08-14. Review status: criteria provided, single submitter. Criteria: Myriad Autosomal Dominant, Autosomal Recessive and X-Linked Classification Criteria (2023). Collection method: clinical testing. Allele origin: unknown.
Comment: This variant is considered likely benign. This variant has been observed at a population frequency that is significantly greater than expected given the associated disease prevalence and penetrance.

Color Diagnostics, LLC DBA Color Health
Classification: Benign for Tuberous sclerosis syndrome. Last evaluated: 2023-01-12. Review status: criteria provided, single submitter. Criteria: ACMG Guidelines, 2015. Collection method: clinical testing. Allele origin: germline.

Genome-Nilou Lab
Classification: Benign for Tuberous sclerosis 1. Last evaluated: 2021-11-07. Review status: criteria provided, single submitter. Criteria: ACMG Guidelines, 2015. Collection method: clinical testing. Allele origin: germline. Affected: no.

GeneDx
Classification: Benign. Last evaluated: 2021-02-05. Review status: criteria provided, single submitter. Criteria: GeneDx Variant Classification Process June 2021. Collection method: clinical testing. Allele origin: germline. Affected: yes.

Eurofins Ntd Llc (ga)
Classification: Uncertain significance. Last evaluated: 2018-06-11. Review status: criteria provided, single submitter. Criteria: EGL ClinVar v180209 classification definitions. Collection method: clinical testing. Allele origin: germline. Observed: 1 variant allele, 1 heterozygote.

Ambry Genetics
Classification: Likely benign for Hereditary cancer-predisposing syndrome. Last evaluated: 2018-06-05. Review status: criteria provided, single submitter. Criteria: Ambry Variant Classification Scheme 2023. Collection method: clinical testing. Allele origin: germline.